The following is an entry in ClinVar:

ClinVar aggregate classification (germline): Benign. Review status: criteria provided, multiple submitters, no conflicts (2 of 4 stars). 2 submissions from 2 submitters: Benign (2). Last evaluated 2018-06-14.

Allele frequency attached by ClinVar (database versions not stated): 1000 Genomes Project 30x 0.86727; 1000 Genomes Project 0.86901; TOPMed 0.91348; gnomAD 0.92518.
gnomAD v4.1: 140,182 of 152,222 alleles (92%); highest among the groups gnomAD compares: Non-Finnish European, 97%; 64,845 homozygotes.

Submissions (2):

GeneDx
Classification: Benign. Last evaluated: 2018-06-14. Review status: criteria provided, single submitter. Criteria: GeneDx Variant Classification (06012015). Collection method: clinical testing. Allele origin: germline. Affected: yes.
Comment: This variant is considered likely benign or benign based on one or more of the following criteria: it is a conservative change, it occurs at a poorly conserved position in the protein, it is predicted to be benign by multiple in silico algorithms, and/or has population frequency not consistent with disease.

Breakthrough Genomics
Classification: Benign. Review status: criteria provided, single submitter. Criteria: ACMG Guidelines, 2015. Collection method: not provided. Allele origin: germline. Inheritance: Autosomal recessive inheritance. Affected: yes.

NM_000260.4(MYO7A):c.6559-257T>C

Gene: MYO7A (myosin VIIA; plus strand). Cytogenetic location: 11q13.5.
Variant type: single nucleotide variant.
Coding change: c.6559-257T>C on transcript NM_000260.4 (MANE Select); 257 bases into the intron before coding-DNA position 6559, T replaced by C.
Molecular consequence: intron variant.
Genome position (GRCh38, 1-based): chr11:77,214,350, T>C. VCF-style: chr11-77214350-T-C. GRCh37 (hg19) VCF-style: chr11-76925395-T-C.
Other names: c.6412-257T>C (NM_001369365.1); c.6439-257T>C (NM_001127180.2).
Identifiers: ClinVar variation 680675 (VCV000680675.2), dbSNP rs869707, ClinGen allele CA13542426.